The following is an entry in ClinVar:

NM_001142800.2(EYS):c.5071_5074delinsTAAA (p.Glu1691_Leu1692delinsTer)

Gene: EYS (EGF-like photoreceptor maintenance factor; minus strand). Cytogenetic location: 6q12.
Variant type: Indel.
Coding change: c.5071_5074delinsTAAA on transcript NM_001142800.2 (MANE Select); coding-DNA positions 5071 to 5074, GAAC replaced by TAAA.
Protein change: p.Glu1691_Leu1692delinsTer.
Molecular consequence: nonsense.
Genome position (GRCh38, 1-based): chr6:64,590,793-64,590,796, GTTC replaced by TTTA on the plus strand (GAAC replaced by TAAA on the coding strand, the reverse complement: EYS is on the minus strand). VCF-style: chr6-64590793-GTTC-TTTA. GRCh37 (hg19) VCF-style: chr6-65300686-GTTC-TTTA.
Other names: c.5071_5074delinsTAAA, p.Glu1691_Leu1692delinsTer (NM_001292009.2).
Identifiers: ClinVar variation 4814643 (VCV004814643.1).
Genomic context (GRCh38, chr6:64,590,793, plus strand): 5'-CCATAGTTATGCCATATTGTCTTATTTTCAATAGTTTTAAAATGTTTTCTGATACTGACA[GTTC>TTTA]ATCAGTAGTCATTTTTGAAGTCAAATCAGAATTCATCAAGTCTGAAGAGATAGTTTGTGA-3'

ClinVar aggregate classification (germline): Likely pathogenic (1 of 4 stars; one submission).

Conditions:
Retinitis pigmentosa 25 (RP25). Identifiers: Orphanet 791, MedGen C1864446, MONDO:0011272, OMIM 602772.

Submission:

Natera, Inc.
Classification: Likely pathogenic for Retinitis pigmentosa type 25. Last evaluated: 2024-12-04. Review status: criteria provided, single submitter. Criteria: Natera Variant Classification Schema (03/2026). Collection method: clinical testing. Allele origin: germline.
Comment: The c.5071_5074delinsTAAA variant in EYS is a deletion-insertion (delins) variant predicted to replace one or more nucleotides with a different sequence. This variant is expected to result in nonsense mediated decay, truncation, or a dysfunctional protein product. This variant is rare in the general population with a frequency below the threshold expected for the associated phenotype(s). Given the available evidence, this variant is classified as Likely Pathogenic.